The following is an entry in ClinVar:

NC_000004.11:g.(?_120057681)_(120057776_?)dup

Gene: MYOZ2 (myozenin 2; plus strand). Cytogenetic location: 4q26.
Variant type: Duplication.
Identifiers: ClinVar variation 2426311 (VCV002426311.3).

ClinVar aggregate classification (germline): Uncertain significance (1 of 4 stars; one submission).

Conditions:
Hypertrophic cardiomyopathy. Also called: HYPERTROPHIC MYOCARDIOPATHY. Identifiers: Orphanet 217569, MedGen C0007194, MeSH D002312, MONDO:0005045, HP:0001639.

Submission:

Labcorp Genetics (formerly Invitae), Labcorp
Classification: Uncertain significance for Hypertrophic cardiomyopathy. Last evaluated: 2022-09-23. Review status: criteria provided, single submitter. Criteria: Invitae Variant Classification Sherloc (09022015). Collection method: clinical testing. Allele origin: germline.
Comment: This variant results in a copy number gain of the genomic region encompassing exon(s) 2 of the MYOZ2 gene. This region includes the initiator codon of the gene. This copy number gain extends beyond the assayed region for this gene and therefore may encompass additional genes. As the precise location of this event is unknown, it may be in tandem or it may be located elsewhere in the genome. A similar copy number variant has been observed in individual(s) with hypertrophic cardiomyopathy (PMID: 27066507). In summary, the available evidence is currently insufficient to determine the role of this variant in disease. Therefore, it has been classified as a Variant of Uncertain Significance.

Literature cited by the submitters: PubMed 27066507.